The following is an entry in ClinVar:

NM_001277115.2(DNAH11):c.4123C>T (p.Arg1375Cys)

Gene: DNAH11 (dynein axonemal heavy chain 11; plus strand). Cytogenetic location: 7p15.3.
Variant type: single nucleotide variant.
Coding change: c.4123C>T on transcript NM_001277115.2 (MANE Select); coding-DNA position 4123, C replaced by T.
Protein change: p.Arg1375Cys; replaces arginine 1375 with cysteine.
Molecular consequence: missense variant.
Genome position (GRCh38, 1-based): chr7:21,617,646, C>T. VCF-style: chr7-21617646-C-T. GRCh37 (hg19) VCF-style: chr7-21657264-C-T.
Other names: c.4123C>T (NM_001277115.1); c.4138C>T, p.Arg1380Cys (NM_003777.3); short protein forms R1380C, R1375C.
Identifiers: ClinVar variation 2721494 (VCV002721494.4), dbSNP rs775354685, ClinGen allele CA4179908.

ClinVar aggregate classification (germline): Conflicting classifications of pathogenicity. Review status: criteria provided, conflicting classifications (1 of 4 stars). 2 submissions from 2 submitters: Uncertain significance (1); Benign (1). Last evaluated 2025-10-25.

Conditions:
Primary ciliary dyskinesia. Also called: Ciliary dyskinesia. Identifiers: Orphanet 244, MedGen C0008780, MONDO:0016575, HP:0012265.

Allele frequency attached by ClinVar (database versions not stated): ExAC 0.00003.
gnomAD v4.1: 48 of 1,613,566 alleles (0.003%); highest among the groups gnomAD compares: African/African-American, 0.011%; no homozygotes.

Submissions (2):

Ambry Genetics
Classification: Uncertain significance for Primary ciliary dyskinesia. Last evaluated: 2025-10-25. Review status: criteria provided, single submitter. Criteria: Ambry Variant Classification Scheme 2023. Collection method: clinical testing. Allele origin: germline.
Comment: The p.R1375C variant (also known as c.4123C>T), located in coding exon 23 of the DNAH11 gene, results from a C to T substitution at nucleotide position 4123. The arginine at codon 1375 is replaced by cysteine, an amino acid with highly dissimilar properties. This amino acid position is conserved. In addition, the in silico prediction for this alteration is inconclusive. Based on the available evidence, the clinical significance of this variant remains unclear.

Labcorp Genetics (formerly Invitae), Labcorp
Classification: Benign for Primary ciliary dyskinesia. Last evaluated: 2025-09-01. Review status: criteria provided, single submitter. Criteria: Invitae Variant Classification Sherloc (09022015). Collection method: clinical testing. Allele origin: germline.